The following is an entry in ClinVar:

ClinVar aggregate classification (germline): Pathogenic (1 of 4 stars; one submission).

Conditions:
Cardiovascular phenotype. Identifiers: MedGen CN230736.

Submission:

Ambry Genetics
Classification: Pathogenic for Cardiovascular phenotype. Last evaluated: 2021-07-29. Review status: criteria provided, single submitter. Criteria: Ambry Variant Classification Scheme 2023. Collection method: clinical testing. Allele origin: germline.
Comment: The c.1497delG pathogenic mutation, located in coding exon 9 of the FLNC gene, results from a deletion of one nucleotide at nucleotide position 1497, causing a translational frameshift with a predicted alternate stop codon (p.F500Lfs*24). This alteration is expected to result in loss of function by premature protein truncation or nonsense-mediated mRNA decay. As such, this alteration is interpreted as a disease-causing mutation.

NM_001458.5(FLNC):c.1497del (p.Phe500fs)

Gene: FLNC (filamin C; plus strand). Cytogenetic location: 7q32.1.
Variant type: Deletion.
Coding change: c.1497del on transcript NM_001458.5 (MANE Select); coding-DNA position 1497, one base deleted (G; older notation c.1497delG).
Protein change: p.Phe500fs; shifts the reading frame from phenylalanine 500.
Molecular consequence: frameshift variant.
Genome position (GRCh38, 1-based): chr7:128,840,108, G deleted. VCF-style (leftmost placement, unchanged base first): chr7-128840107-TG-T. GRCh37 (hg19) VCF-style: chr7-128480161-TG-T.
Other names: c.1497del, p.Phe500fs (NM_001127487.2); short protein forms F500fs.
Identifiers: ClinVar variation 1773902 (VCV001773902.2), dbSNP rs2536624821, ClinGen allele CA2580076616.